The following is an entry in ClinVar:

NM_005228.5(EGFR):c.1741C>A (p.Gln581Lys)

Gene: EGFR (epidermal growth factor receptor; plus strand). Cytogenetic location: 7p11.2.
Variant type: single nucleotide variant.
Coding change: c.1741C>A on transcript NM_005228.5 (MANE Select); coding-DNA position 1741, C replaced by A.
Protein change: p.Gln581Lys; replaces glutamine 581 with lysine.
Molecular consequence: missense variant.
Genome position (GRCh38, 1-based): chr7:55,165,298, C>A. VCF-style: chr7-55165298-C-A. GRCh37 (hg19) VCF-style: chr7-55232991-C-A.
Other names: c.1606C>A, p.Gln536Lys (NM_001346897.2, NM_001346899.2); c.1741C>A, p.Gln581Lys (NM_001346898.2, NM_201282.2, NM_201284.2); c.1582C>A, p.Gln528Lys (NM_001346900.2); c.940C>A, p.Gln314Lys (NM_001346941.2); short protein forms Q581K, Q314K, Q528K, Q536K.
Identifiers: ClinVar variation 857170 (VCV000857170.11), dbSNP rs764787649, ClinGen allele CA4265684.
Genomic context (GRCh38, chr7:55,165,298, plus strand): 5'-AGAAAGAGACATGCATGAACATTTTTCTCCACCTTGGTGCAGGGACCAGACAACTGTATC[C>A]AGTGTGCCCACTACATTGACGGCCCCCACTGCGTCAAGACCTGCCCGGCAGGAGTCATGG-3'
Protein context (NP_005219.2, residues 571-591): CTGRGPDNCI[Gln581Lys]CAHYIDGPHC

ClinVar aggregate classification (germline): Conflicting classifications of pathogenicity. Review status: criteria provided, conflicting classifications (1 of 4 stars). 2 submissions from 2 submitters: Uncertain significance (1); Likely benign (1). Last evaluated 2025-12-24.

Conditions:
Hereditary cancer-predisposing syndrome. Also called: Tumor predisposition; Hereditary neoplastic syndrome; Neoplastic Syndromes, Hereditary; Hereditary Cancer Syndrome. Identifiers: Orphanet 140162, MedGen C0027672, MeSH D009386, MONDO:0015356.
EGFR-related lung cancer (EGFR). Identifiers: MedGen CN130014.

Allele frequency attached by ClinVar (database versions not stated): TOPMed below 0.00001; ExAC 0.00001; gnomAD 0.00001; gnomAD exomes 0.00001 and below 0.00001.
gnomAD v4.1: 4 of 1,614,010 alleles (0.00025%); highest among the groups gnomAD compares: Non-Finnish European, 0.00034%; no homozygotes.

Submissions (2):

Labcorp Genetics (formerly Invitae), Labcorp
Classification: Uncertain significance for EGFR-related lung cancer. Last evaluated: 2025-12-24. Review status: criteria provided, single submitter. Criteria: Invitae Variant Classification Sherloc (09022015). Collection method: clinical testing. Allele origin: germline.
Comment: This sequence change replaces glutamine, which is neutral and polar, with lysine, which is basic and polar, at codon 581 of the EGFR protein (p.Gln581Lys). This variant is present in population databases (rs764787649, gnomAD 0.007%). This variant has not been reported in the literature in individuals affected with EGFR-related conditions. ClinVar contains an entry for this variant (Variation ID: 857170). An algorithm developed to predict the effect of missense changes on protein structure and function outputs the following: PolyPhen-2: "Benign". The lysine amino acid residue is found in multiple mammalian species, which suggests that this missense change does not adversely affect protein function. In summary, the available evidence is currently insufficient to determine the role of this variant in disease. Therefore, it has been classified as a Variant of Uncertain Significance.

Ambry Genetics
Classification: Likely benign for Hereditary cancer-predisposing syndrome. Last evaluated: 2025-02-14. Review status: criteria provided, single submitter. Criteria: Ambry Variant Classification Scheme 2023. Collection method: clinical testing. Allele origin: germline.